The following is an entry in ClinVar:

ClinVar aggregate classification (germline): Uncertain significance (1 of 4 stars; one submission).

Conditions:
Intellectual disability, autosomal dominant 9 (NESCAVS). Also called: NESCAV SYNDROME; KIF1A-Related Neurodevelopmental Disorder. Identifiers: Orphanet 662367, MedGen C5393830, MONDO:0013656, OMIM 614255.

Submission:

3billion
Classification: Uncertain significance for Intellectual disability, autosomal dominant 9. Last evaluated: 2025-09-09. Review status: criteria provided, single submitter. Criteria: ACMG Guidelines, 2015. Collection method: clinical testing. Allele origin: germline. Affected: yes.
Comment: The variant is observed at an extremely low frequency in the gnomAD v4.1.0 dataset (total allele frequency: <0.001%). Predicted Consequence/Location: Intron variant In silico tools predict the variant to alter splicing and produce an abnormal transcript [SpliceAI: 0.29 (>=0.2, moderate evidence for spliceogenicity)]. Therefore, this variant is classified as VUS according to the recommendation of ACMG/AMP guideline.

NM_001244008.2(KIF1A):c.4256+550G>A

Gene: KIF1A (kinesin family member 1A; minus strand). Cytogenetic location: 2q37.3.
Variant type: single nucleotide variant.
Coding change: c.4256+550G>A on transcript NM_001244008.2 (MANE Select); 550 bases into the intron after coding-DNA position 4256, G replaced by A.
Molecular consequence: intron variant.
Genome position (GRCh38, 1-based): chr2:240,724,721, C>T on the plus strand (G>A on the coding strand, the complement: KIF1A is on the minus strand). VCF-style: chr2-240724721-C-T. GRCh37 (hg19) VCF-style: chr2-241664138-C-T.
Other names: c.3977+550G>A (NM_001379639.1); c.3980+550G>A (NM_001379649.1, NM_001320705.2); c.4067+550G>A (NM_001379636.1); c.4232+550G>A (NM_001379632.1); c.4229+550G>A (NM_001379633.1, NM_001379645.1); c.4256+550G>A (NM_001379642.1); c.4028+550G>A (NM_001379637.1); c.4055+550G>A (NM_001379648.1, NM_001330290.2); and 7 more.
Identifiers: ClinVar variation 4856138 (VCV004856138.1).
Genomic context (GRCh38, chr2:240,724,721, plus strand): 5'-TCAGGGCCCTGACATTCCGGCTCATTCTCCCCCACCCCCAAGAATCAGGAGCGTGTTCAG[C>T]ACGCAAGCACGGCTGGTCCTGGTGTTCGGTGTGTGGCTCCCCAAGGTGCTGACAGCCTCC-3'